The following is an entry in ClinVar:

ClinVar aggregate classification (germline): Uncertain significance (1 of 4 stars; one submission).

Allele frequency attached by ClinVar (database versions not stated): TOPMed 0.00001.

Submission:

GeneDx
Classification: Uncertain significance. Last evaluated: 2022-06-02. Review status: criteria provided, single submitter. Criteria: GeneDx Variant Classification Process June 2021. Collection method: clinical testing. Allele origin: germline. Affected: yes.
Comment: Not observed in large population cohorts (gnomAD); In silico analysis supports that this missense variant does not alter protein structure/function; Has not been previously published as pathogenic or benign to our knowledge

NM_031407.7(HUWE1):c.5662G>C (p.Val1888Leu)

Gene: HUWE1 (HECT, UBA and WWE domain containing E3 ubiquitin protein ligase 1; minus strand). Cytogenetic location: Xp11.22.
Variant type: single nucleotide variant.
Coding change: c.5662G>C on transcript NM_031407.7 (MANE Select); coding-DNA position 5662, G replaced by C.
Protein change: p.Val1888Leu; replaces valine 1888 with leucine.
Molecular consequence: missense variant.
Genome position (GRCh38, 1-based): chrX:53,580,885, C>G on the plus strand (G>C on the coding strand, the complement: HUWE1 is on the minus strand). VCF-style: chrX-53580885-C-G. GRCh37 (hg19) VCF-style: chrX-53607845-C-G.
Other names: short protein forms V1888L.
Identifiers: ClinVar variation 1304088 (VCV001304088.3), dbSNP rs782222601, ClinGen allele CA413173087.